The following is an entry in ClinVar:

NM_012452.3(TNFRSF13B):c.91A>G (p.Met31Val)

Gene: TNFRSF13B (TNF receptor superfamily member 13B; minus strand). Cytogenetic location: 17p11.2.
Variant type: single nucleotide variant.
Coding change: c.91A>G on transcript NM_012452.3 (MANE Select); coding-DNA position 91, A replaced by G.
Protein change: p.Met31Val; replaces methionine 31 with valine.
Molecular consequence: missense variant.
Genome position (GRCh38, 1-based): chr17:16,952,554, T>C on the plus strand (A>G on the coding strand, the complement: TNFRSF13B is on the minus strand). VCF-style: chr17-16952554-T-C. GRCh37 (hg19) VCF-style: chr17-16855868-T-C.
Other names: short protein forms M31V.
Identifiers: ClinVar variation 2048131 (VCV002048131.4), dbSNP rs368391092, ClinGen allele CA8414121.

ClinVar aggregate classification (germline): Uncertain significance. Review status: criteria provided, single submitter (1 of 4 stars). 2 submissions from 2 submitters: Uncertain significance (1). 1 of the submissions does not count toward it. Last evaluated 2024-09-04.

Conditions:
TNFRSF13B-related disorder. Also called: TNFRSF13B-related condition.
Immunodeficiency, common variable, 2 (CVID2). Also called: ANTIBODY DEFICIENCY DUE TO TACI DEFECT; HYPOGAMMAGLOBULINEMIA DUE TO TACI DEFICIENCY. Identifiers: Orphanet 1572, MedGen C3150354, MONDO:0009413, OMIM 240500.

Allele frequency attached by ClinVar (database versions not stated): gnomAD exomes 0.00002; ESP Exome Variant Server 0.00008; ExAC 0.00002; TOPMed 0.00004; gnomAD 0.00003.

Submissions (2):

Labcorp Genetics (formerly Invitae), Labcorp
Classification: Uncertain significance for Immunodeficiency, common variable, 2. Last evaluated: 2024-09-04. Review status: criteria provided, single submitter. Criteria: Invitae Variant Classification Sherloc (09022015). Collection method: clinical testing. Allele origin: germline.
Comment: This sequence change replaces methionine, which is neutral and non-polar, with valine, which is neutral and non-polar, at codon 31 of the TNFRSF13B protein (p.Met31Val). This variant is present in population databases (rs368391092, gnomAD 0.005%). This variant has not been reported in the literature in individuals affected with TNFRSF13B-related conditions. ClinVar contains an entry for this variant (Variation ID: 2048131). Invitae Evidence Modeling of protein sequence and biophysical properties (such as structural, functional, and spatial information, amino acid conservation, physicochemical variation, residue mobility, and thermodynamic stability) indicates that this missense variant is expected to disrupt TNFRSF13B protein function with a positive predictive value of 80%. In summary, the available evidence is currently insufficient to determine the role of this variant in disease. Therefore, it has been classified as a Variant of Uncertain Significance.

PreventionGenetics, part of Exact Sciences
Classification: Uncertain significance for TNFRSF13B-related condition. Last evaluated: 2024-03-06. Review status: no assertion criteria provided. Collection method: clinical testing. Allele origin: germline. Not counted in ClinVar's aggregate classification.
Comment: The TNFRSF13B c.91A>G variant is predicted to result in the amino acid substitution p.Met31Val. To our knowledge, this variant has not been reported in the literature. This variant is reported in 0.0062% of alleles in individuals of European (Non-Finnish) descent in gnomAD. At this time, the clinical significance of this variant is uncertain due to the absence of conclusive functional and genetic evidence.